The following is an entry in ClinVar:

ClinVar aggregate classification (germline): Benign/Likely benign. Review status: criteria provided, multiple submitters, no conflicts (2 of 4 stars). 2 submissions from 2 submitters: Benign (1); Likely benign (1). Last evaluated 2026-06-04.

Conditions:
Gastrointestinal stromal tumor. Also called: Gastrointestinal stroma tumor; Gastrointestinal stromal tumor, somatic. Identifiers: Orphanet 44890, MedGen C0238198, MeSH D046152, MONDO:0011719, OMIM 606764, HP:0100723.

Submissions (2):

Myriad Genetics, Inc.
Classification: Benign for Gastrointestinal stromal tumor. Last evaluated: 2026-06-04. Review status: criteria provided, single submitter. Criteria: Myriad Autosomal Dominant, Autosomal Recessive and X-Linked Classification Criteria (2023). Collection method: clinical testing. Allele origin: unknown.
Comment: This variant is considered benign. This variant is a silent/synonymous amino acid change and it is not expected to impact splicing.

Labcorp Genetics (formerly Invitae), Labcorp
Classification: Likely benign for Gastrointestinal stromal tumor. Last evaluated: 2025-12-14. Review status: criteria provided, single submitter. Criteria: Invitae Variant Classification Sherloc (09022015). Collection method: clinical testing. Allele origin: germline.

NM_000222.3(KIT):c.1875C>G (p.Leu625=)

Gene: KIT (KIT proto-oncogene, receptor tyrosine kinase; plus strand). Cytogenetic location: 4q12.
Variant type: single nucleotide variant.
Coding change: c.1875C>G on transcript NM_000222.3 (MANE Select); coding-DNA position 1875, C replaced by G.
Protein change: p.Leu625=; no amino-acid change (leucine 625 retained).
Molecular consequence: synonymous variant.
Genome position (GRCh38, 1-based): chr4:54,727,923, C>G. VCF-style: chr4-54727923-C-G. GRCh37 (hg19) VCF-style: chr4-55594089-C-G.
Other names: c.1863C>G, p.Leu621= (NM_001093772.2, NM_001385286.1); c.1878C>G, p.Leu626= (NM_001385284.1, NM_001385290.1); c.1875C>G, p.Leu625= (NM_001385285.1); c.1866C>G, p.Leu622= (NM_001385288.1, NM_001385292.1).
Identifiers: ClinVar variation 1116730 (VCV001116730.10), dbSNP rs2109780324, ClinGen allele CA439291408.